The following is an entry in ClinVar:

NM_005422.4(TECTA):c.2409G>A (p.Ser803=)

Genes: TECTA (tectorin alpha; plus strand), TBCEL-TECTA (TBCEL-TECTA readthrough; plus strand), LOC126861365 (P300/CBP strongly-dependent group 1 enhancer GRCh37_chr11:121000154-121001353; plus strand). Cytogenetic location: 11q23.3.
Variant type: single nucleotide variant.
Coding change: c.2409G>A on transcript NM_005422.4 (MANE Select); coding-DNA position 2409, G replaced by A.
Protein change: p.Ser803=; no amino-acid change (serine 803 retained).
Molecular consequence: synonymous variant.
Genome position (GRCh38, 1-based): chr11:121,129,679, G>A. VCF-style: chr11-121129679-G-A. GRCh37 (hg19) VCF-style: chr11-121000388-G-A.
Other names: c.3366G>A, p.Ser1122= (NM_001378761.1).
Identifiers: ClinVar variation 1333509 (VCV001333509.1), dbSNP rs778543447, ClinGen allele CA6326989.

ClinVar aggregate classification (germline): Uncertain significance (1 of 4 stars; one submission).

Conditions:
Autosomal recessive nonsyndromic hearing loss 21. Identifiers: Orphanet 90636, MedGen C1863655, MONDO:0011351, OMIM 603629.

Allele frequency attached by ClinVar (database versions not stated): gnomAD 0.00001; TOPMed 0.00001; gnomAD exomes 0.00002 and 0.00004; ExAC 0.00005.
gnomAD v4.1: 25 of 1,614,038 alleles (0.0015%); highest among the groups gnomAD compares: South Asian, 0.016%; no homozygotes.

Submission:

3billion
Classification: Uncertain significance for Autosomal recessive nonsyndromic hearing loss 21. Last evaluated: 2022-01-03. Review status: criteria provided, single submitter. Criteria: ACMG Guidelines, 2015. Collection method: clinical testing. Allele origin: germline. Affected: yes. Observed: 1 heterozygote.
Comment: The variant is observed at an extremely low frequency in the gnomAD v2.1.1 dataset (total allele frequency: 0.000042, PM2_M). In silico prediction tools predicted that this variant influenced pre-mRNA splicing, resulting in aberrant splicing (SPLICEAI: 0.93>=0.8, PP3_P). Therefore, this variant is classified as uncertain significance according to the recommendation of ACMG/AMP guideline.